The following is an entry in ClinVar:

ClinVar aggregate classification (germline): Uncertain significance (1 of 4 stars; one submission).

Conditions:
Autoimmune lymphoproliferative syndrome type 2A (ALPS2A). Also called: CASP10-Related Autoimmune Lymphoproliferative Syndrome; Autoimmune lymphoproliferative syndrome type 2; AUTOIMMUNE LYMPHOPROLIFERATIVE SYNDROME, TYPE IIA. Identifiers: Orphanet 3261, MedGen C1858968, MONDO:0011383, OMIM 603909.

gnomAD v4.1: 1 of 1,613,884 alleles (0.000062%); highest among the groups gnomAD compares: African/African-American, 0.0013%; no homozygotes.

Submission:

Labcorp Genetics (formerly Invitae), Labcorp
Classification: Uncertain significance for Autoimmune lymphoproliferative syndrome type 2A. Last evaluated: 2024-07-11. Review status: criteria provided, single submitter. Criteria: Invitae Variant Classification Sherloc (09022015). Collection method: clinical testing. Allele origin: germline.
Comment: This sequence change replaces proline, which is neutral and non-polar, with leucine, which is neutral and non-polar, at codon 516 of the CASP10 protein (p.Pro516Leu). This variant is not present in population databases (gnomAD no frequency). This variant has not been reported in the literature in individuals affected with CASP10-related conditions. An algorithm developed to predict the effect of missense changes on protein structure and function (PolyPhen-2) suggests that this variant is likely to be disruptive. In summary, the available evidence is currently insufficient to determine the role of this variant in disease. Therefore, it has been classified as a Variant of Uncertain Significance.

NM_032977.4(CASP10):c.1547C>T (p.Pro516Leu)

Gene: CASP10 (caspase 10; plus strand). Cytogenetic location: 2q33.1.
Variant type: single nucleotide variant.
Coding change: c.1547C>T on transcript NM_032977.4 (MANE Select); coding-DNA position 1547, C replaced by T.
Protein change: p.Pro516Leu; replaces proline 516 with leucine.
Molecular consequence: missense variant. On other transcripts: 3 prime UTR variant (1), intron variant (2).
Genome position (GRCh38, 1-based): chr2:201,217,719, C>T. VCF-style: chr2-201217719-C-T. GRCh37 (hg19) VCF-style: chr2-202082442-C-T.
Other names: c.1346C>T, p.Pro449Leu (NM_001206524.2); c.1418C>T, p.Pro473Leu (NM_001230.5); c.*633C>T (NM_032976.4); c.1415+8157C>T (NM_032974.5); c.1286+8157C>T (NM_001206542.2); short protein forms P449L, P473L, P516L.
Identifiers: ClinVar variation 3750310 (VCV003750310.2).
Genomic context (GRCh38, chr2:201,217,719, plus strand): 5'-CAAAGAAACAGATGCCCCAGCCTGCTTTCACACTAAGGAAAAAACTAGTATTCCCTGTGC[C>T]CCTGGATGCACTTTCATTATAGCAGAGAGTTTTTGTTGGTTCTTAGACCTCAAACGAATC-3'
Protein context (NP_116759.2, residues 506-522): TLRKKLVFPV[Pro516Leu]LDALSL